The following is an entry in ClinVar:

NM_021803.4(IL21):c.37A>G (p.Ile13Val)

Genes: IL21 (interleukin 21; minus strand), IL21-AS1 (IL21 antisense RNA 1; plus strand), LOC126807147 (CDK7 strongly-dependent group 2 enhancer GRCh37_chr4:123541308-123542507; plus strand). Cytogenetic location: 4q27.
Variant type: single nucleotide variant.
Coding change: c.37A>G on transcript NM_021803.4 (MANE Select); coding-DNA position 37, A replaced by G.
Protein change: p.Ile13Val; replaces isoleucine 13 with valine.
Molecular consequence: missense variant. On other transcripts: non-coding transcript variant (1).
Genome position (GRCh38, 1-based): chr4:122,620,975, T>C on the plus strand (A>G on the coding strand, the complement: IL21 is on the minus strand). VCF-style: chr4-122620975-T-C. GRCh37 (hg19) VCF-style: chr4-123542130-T-C.
Other names: c.37A>G, p.Ile13Val (NM_001207006.3); short protein forms I13V.
Identifiers: ClinVar variation 1041152 (VCV001041152.5), dbSNP rs1318019158, ClinGen allele CA358221884.
Genomic context (GRCh38, chr4:122,620,975, plus strand): 5'-CTTGACCTTGGGAGCTTGATTTGTGGACCAGTGTCCCCAAGAAGATGACCATCAGACAGA[T>C]GACAATCCTCTCCATGTTGCCAGGACTGGATCTCATAAGTACCAACAGTAGAGCTAGACC-3'
Protein context (NP_068575.1, residues 3-23): SSPGNMERIV[Ile13Val]CLMVIFLGTL

ClinVar aggregate classification (germline): Uncertain significance (1 of 4 stars; one submission).

gnomAD v4.1: 3 of 1,614,026 alleles (0.00019%); highest among the groups gnomAD compares: Non-Finnish European, 0.00025%; no homozygotes.

Submission:

Labcorp Genetics (formerly Invitae), Labcorp
Classification: Uncertain significance. Last evaluated: 2022-02-03. Review status: criteria provided, single submitter. Criteria: Invitae Variant Classification Sherloc (09022015). Collection method: clinical testing. Allele origin: germline.
Comment: In summary, the available evidence is currently insufficient to determine the role of this variant in disease. Therefore, it has been classified as a Variant of Uncertain Significance. Algorithms developed to predict the effect of missense changes on protein structure and function output the following: SIFT: "Tolerated"; PolyPhen-2: "Benign"; Align-GVGD: "Class C0". The valine amino acid residue is found in multiple mammalian species, which suggests that this missense change does not adversely affect protein function. ClinVar contains an entry for this variant (Variation ID: 1041152). This variant has not been reported in the literature in individuals affected with IL21-related conditions. This variant is not present in population databases (gnomAD no frequency). This sequence change replaces isoleucine, which is neutral and non-polar, with valine, which is neutral and non-polar, at codon 13 of the IL21 protein (p.Ile13Val).